The following is an entry in ClinVar:

ClinVar aggregate classification (germline): Likely benign (1 of 4 stars; one submission).

Conditions:
CUL4B-related disorder. Also called: CUL4B-related condition.

gnomAD v4.1: 8 of 1,110,737 alleles (0.00072%); highest among the groups gnomAD compares: Non-Finnish European, 0.00099%; no homozygotes.

Submission:

PreventionGenetics, part of Exact Sciences
Classification: Likely benign for CUL4B-related condition. Last evaluated: 2026-03-21. Review status: criteria provided, single submitter. Criteria: ACMG Guidelines, 2015. Collection method: clinical testing. Allele origin: germline.
Comment: This variant is classified as likely benign based on ACMG/AMP sequence variant interpretation guidelines (Richards et al. 2015 PMID: 25741868, with internal and published modifications).

NM_001079872.2(CUL4B):c.1939-5T>C

Gene: CUL4B (cullin 4B; minus strand). Cytogenetic location: Xq24.
Variant type: single nucleotide variant.
Coding change: c.1939-5T>C on transcript NM_001079872.2 (MANE Select); 5 bases into the intron before coding-DNA position 1939, T replaced by C.
Molecular consequence: intron variant.
Genome position (GRCh38, 1-based): chrX:120,537,039, A>G on the plus strand (T>C on the coding strand, the complement: CUL4B is on the minus strand). VCF-style: chrX-120537039-A-G. GRCh37 (hg19) VCF-style: chrX-119670894-A-G.
Other names: c.1993-5T>C (NM_003588.4); c.1954-5T>C (NM_001330624.2); c.1405-5T>C (NM_001369145.1).
Identifiers: ClinVar variation 4990197 (VCV004990197.1).